The following is an entry in ClinVar:

NM_000023.4(SGCA):c.218C>G (p.Pro73Arg)

Gene: SGCA (sarcoglycan alpha; plus strand). Cytogenetic location: 17q21.33.
Variant type: single nucleotide variant.
Coding change: c.218C>G on transcript NM_000023.4 (MANE Select); coding-DNA position 218, C replaced by G.
Protein change: p.Pro73Arg; replaces proline 73 with arginine.
Molecular consequence: missense variant. On other transcripts: non-coding transcript variant (1).
Genome position (GRCh38, 1-based): chr17:50,167,642, C>G. VCF-style: chr17-50167642-C-G. GRCh37 (hg19) VCF-style: chr17-48245003-C-G.
Other names: c.218C>G, p.Pro73Arg (NM_001135697.3); short protein forms P73R.
Identifiers: ClinVar variation 1967847 (VCV001967847.7), dbSNP rs1482631076, ClinGen allele CA400177449.

ClinVar aggregate classification (germline): Pathogenic/Likely pathogenic. Review status: criteria provided, multiple submitters, no conflicts (2 of 4 stars). 2 submissions from 2 submitters: Pathogenic (1); Likely pathogenic (1). Last evaluated 2022-01-11.

Conditions:
Autosomal recessive limb-girdle muscular dystrophy type 2D (LGMDR3). Also called: DUCHENNE-LIKE AUTOSOMAL RECESSIVE MUSCULAR DYSTROPHY, TYPE 2; MUSCULAR DYSTROPHY, LIMB-GIRDLE, AUTOSOMAL RECESSIVE 3; ADHALINOPATHY, PRIMARY. Identifiers: Orphanet 62, MedGen C2936332, MONDO:0011968, OMIM 608099. Disease mechanism: Affects gamma-sarcoglycan and also disrupts the integrity of the entire sarcoglycan complex..

Submissions (2):

Labcorp Genetics (formerly Invitae), Labcorp
Classification: Pathogenic for Autosomal recessive limb-girdle muscular dystrophy type 2D. Last evaluated: 2022-01-11. Review status: criteria provided, single submitter. Criteria: Invitae Variant Classification Sherloc (09022015). Collection method: clinical testing. Allele origin: germline.
Comment: This sequence change replaces proline, which is neutral and non-polar, with arginine, which is basic and polar, at codon 73 of the SGCA protein (p.Pro73Arg). This variant is not present in population databases (gnomAD no frequency). For these reasons, this variant has been classified as Pathogenic. This variant disrupts the p.Pro73 amino acid residue in SGCA. Other variant(s) that disrupt this residue have been determined to be pathogenic (PMID: 30764848). This suggests that this residue is clinically significant, and that variants that disrupt this residue are likely to be disease-causing. Advanced modeling of protein sequence and biophysical properties (such as structural, functional, and spatial information, amino acid conservation, physicochemical variation, residue mobility, and thermodynamic stability) performed at Invitae indicates that this missense variant is expected to disrupt SGCA protein function. This missense change has been observed in individual(s) with limb-girdle muscular dystrophy (PMID: 30764848). In at least one individual the data is consistent with being in trans (on the opposite chromosome) from a pathogenic variant.

Juno Genomics, Hangzhou Juno Genomics, Inc
Classification: Likely pathogenic for Autosomal recessive limb-girdle muscular dystrophy type 2D. Review status: criteria provided, single submitter. Criteria: ACMG Guidelines, 2015. Collection method: clinical testing. Allele origin: germline.
Comment: Absent from controls (or at extremely low frequency if recessive) in Genome Aggregation Database.;Multiple lines of computational evidence support a deleterious effect on the gene or gene product.;For recessive disorders, detected in trans with a pathogenic variant.;Patient's phenotype or family history is highly specific for a disease with a single genetic etiology.

Literature cited by the submitters: PubMed 30764848 (cited by Labcorp Genetics (formerly Invitae), Labcorp).